The following is an entry in ClinVar:

NM_001377137.1(GBF1):c.4351A>C (p.Lys1451Gln)

Gene: GBF1 (golgi brefeldin A resistant guanine nucleotide exchange factor 1; plus strand). Cytogenetic location: 10q24.32.
Variant type: single nucleotide variant.
Coding change: c.4351A>C on transcript NM_001377137.1 (MANE Select); coding-DNA position 4351, A replaced by C.
Protein change: p.Lys1451Gln; replaces lysine 1451 with glutamine.
Molecular consequence: missense variant. On other transcripts: non-coding transcript variant (5).
Genome position (GRCh38, 1-based): chr10:102,376,997, A>C. VCF-style: chr10-102376997-A-C. GRCh37 (hg19) VCF-style: chr10-104136754-A-C.
Other names: p.Lys1450Gln; c.4351A>C, p.Lys1451Gln (NM_001199378.2, NM_001391923.1); c.4348A>C, p.Lys1450Gln (NM_001199379.2, NM_001377141.1, NM_001391924.1 and 3 more transcripts); c.4312A>C, p.Lys1438Gln (NM_001377138.1, NM_001391925.1); c.4054A>C, p.Lys1352Gln (NM_001377139.1, NM_001377140.1); c.4447A>C, p.Lys1483Gln (NM_001391922.1, NM_001411027.1); c.4315A>C, p.Lys1439Gln (NM_001391926.1); c.4207A>C, p.Lys1403Gln (NM_001391928.1); and 3 more; short protein forms K1324Q, K1352Q, K1371Q, K1403Q, K1438Q, K1439Q, K1450Q, K1451Q.
Identifiers: ClinVar variation 4683551 (VCV004683551.1).

ClinVar aggregate classification (germline): Likely benign (1 of 4 stars; one submission).

gnomAD v4.1: 13 of 1,614,094 alleles (0.00081%); highest among the groups gnomAD compares: Non-Finnish European, 0.001%; no homozygotes.

Submission:

Mayo Clinic Laboratories, Mayo Clinic
Classification: Likely benign. Last evaluated: 2024-09-06. Review status: criteria provided, single submitter. Criteria: ACMG Guidelines, 2015. Collection method: clinical testing. Allele origin: germline. Observed: 1 variant allele.
Comment: BP4, BP5